The following is an entry in ClinVar:

NM_002055.5(GFAP):c.667G>C (p.Glu223Gln)

Gene: GFAP (glial fibrillary acidic protein; minus strand). Cytogenetic location: 17q21.31.
Variant type: single nucleotide variant.
Coding change: c.667G>C on transcript NM_002055.5 (MANE Select); coding-DNA position 667, G replaced by C.
Protein change: p.Glu223Gln; replaces glutamic acid 223 with glutamine.
Molecular consequence: missense variant.
Genome position (GRCh38, 1-based): chr17:44,913,382, C>G on the plus strand (G>C on the coding strand, the complement: GFAP is on the minus strand). VCF-style: chr17-44913382-C-G. GRCh37 (hg19) VCF-style: chr17-42990750-C-G.
Other names: c.667G>C, p.Glu223Gln (NM_001131019.3, NM_001242376.3, NM_001363846.2); short protein forms E223Q.
Identifiers: ClinVar variation 66494 (VCV000066494.43), dbSNP rs56679084, ClinGen allele CA217204.

ClinVar aggregate classification (germline): Conflicting classifications of pathogenicity. Review status: criteria provided, conflicting classifications (1 of 4 stars). 9 submissions from 9 submitters: Uncertain significance (3); Benign (1); Likely benign (3). 2 of the submissions do not count toward it. Last evaluated 2026-09-01.

Conditions:
Alexander disease (ALXDRD). Also called: Alexander's disease. Identifiers: Orphanet 58, MedGen C0270726, MONDO:0008752, OMIM 203450.

Allele frequency attached by ClinVar (database versions not stated): ESP Exome Variant Server 0.00015; gnomAD exomes 0.00035 and 0.00025; TOPMed 0.00037; ExAC 0.00035; 1000 Genomes Project 0.00040; gnomAD 0.00027; 1000 Genomes Project 30x 0.00047.

Submissions (9):

CeGaT Center for Human Genetics Tuebingen
Classification: Likely benign. Last evaluated: 2026-09-01. Review status: criteria provided, single submitter. Criteria: CeGaT Center For Human Genetics Tuebingen Variant Classification Criteria Version 2. Collection method: clinical testing. Allele origin: germline. Affected: yes. Observed: 7 variant alleles.
Comment: GFAP: BS2

Labcorp Genetics (formerly Invitae), Labcorp
Classification: Benign. Last evaluated: 2025-10-08. Review status: criteria provided, single submitter. Criteria: Invitae Variant Classification Sherloc (09022015). Collection method: clinical testing. Allele origin: germline.

Blueprint Genetics
Classification: Likely benign. Last evaluated: 2024-09-20. Review status: criteria provided, single submitter. Criteria: ACMG Guidelines, 2015. Collection method: clinical testing. Allele origin: germline.

Victorian Clinical Genetics Services, Murdoch Childrens Research Institute
Classification: Likely benign for Alexander disease. Last evaluated: 2022-03-31. Review status: criteria provided, single submitter. Criteria: ACMG Guidelines, 2015. Collection method: clinical testing. Allele origin: germline. Inheritance: Autosomal dominant inheritance.
Comment: Based on the classification scheme VCGS_Germline_v1.3.4, this variant is classified as likely benign. Following criteria are met: 0308 - Population frequency for this variant is out of keeping with known incidence of Alexander disease (MIM#203450). (SB) Legend: (SP) - Supporting pathogenic, (I) - Information, (SB) - Supporting benign

Mendelics
Classification: Uncertain significance for Alexander disease. Last evaluated: 2019-05-28. Review status: criteria provided, single submitter. Criteria: Mendelics Assertion Criteria 2017. Collection method: clinical testing. Allele origin: unknown.

Centre for Mendelian Genomics, University Medical Centre Ljubljana
Classification: Uncertain significance for Alexander disease. Last evaluated: 2019-01-28. Review status: criteria provided, single submitter. Criteria: ACMG Guidelines, 2015. Collection method: clinical testing. Allele origin: unknown. Affected: yes.
Comment: This variant was classified as: Uncertain significance. The available evidence on this variant's pathogenicity is insufficient or conflicting. The following ACMG criteria were applied in classifying this variant: PP3,PP2,PM1,PP5.

Breakthrough Genomics
Classification: Uncertain significance. Review status: criteria provided, single submitter. Criteria: ACMG Guidelines, 2015. Collection method: not provided. Allele origin: germline. Inheritance: Autosomal dominant inheritance. Affected: yes.

GeneReviews
Classification: Pathogenic for Alexander's disease. Last evaluated: 2015-01-08. Review status: no assertion criteria provided. Collection method: literature only. Allele origin: germline. Affected: yes. Not counted in ClinVar's aggregate classification.

Epithelial Biology;  Institute of Medical Biology, Singapore
No classification provided. Review status: no classification provided. Collection method: not provided. Allele origin: not provided. Not counted in ClinVar's aggregate classification.

Literature cited by the submitters: PubMed 12944715 (cited by GeneReviews).